The following is an entry in ClinVar:

ClinVar aggregate classification (germline): Pathogenic (1 of 4 stars; one submission).

Conditions:
Drash syndrome (DDS). Also called: NEPHROPATHY, WILMS TUMOR, AND GENITAL ANOMALIES; WILMS TUMOR AND PSEUDO- OR TRUE HERMAPHRODITISM. Identifiers: Orphanet 220, MedGen C0950121, MONDO:0008682, OMIM 194080.
Wilms tumor 1 (WT1). Also called: Wilms tumor, somatic. Identifiers: Orphanet 654, MedGen CN033288, MONDO:0008679, OMIM 194070.
11p partial monosomy syndrome (WAGR). Also called: CHROMOSOME 11p13 DELETION SYNDROME; WAGR syndrome; WAGR Complex; WAGR Spectrum Disorder. Identifiers: Orphanet 893, MedGen C0206115, MONDO:0008681, OMIM 194072.
Frasier syndrome. Identifiers: Orphanet 347, MedGen C0950122, MeSH D052159, MONDO:0007635, OMIM 136680.

Submission:

Labcorp Genetics (formerly Invitae), Labcorp
Classification: Pathogenic for Wilms tumor 1; Drash syndrome; 11p partial monosomy syndrome; Frasier syndrome. Last evaluated: 2025-01-08. Review status: criteria provided, single submitter. Criteria: Invitae Variant Classification Sherloc (09022015). Collection method: clinical testing. Allele origin: germline.
Comment: This sequence change creates a premature translational stop signal (p.Asn214Tyrfs*36) in the WT1 gene. It is expected to result in an absent or disrupted protein product. Loss-of-function variants in WT1 are known to be pathogenic (PMID: 15150775). This variant is not present in population databases (gnomAD no frequency). This variant has not been reported in the literature in individuals affected with WT1-related conditions. ClinVar contains an entry for this variant (Variation ID: 2948304). For these reasons, this variant has been classified as Pathogenic.

Literature cited by the submitters: PubMed 15150775.

NM_024426.6(WT1):c.648_654dup (p.Asn219fs)

Genes: WT1 (WT1 transcription factor; minus strand), LOC107982234 (WT1/WT1-AS bi-directional promoter region; plus strand). Cytogenetic location: 11p13.
Variant type: Duplication.
Coding change: c.648_654dup on transcript NM_024426.6 (MANE Select); coding-DNA positions 648 to 654, 7 bases duplicated (TATTCGC; older notation c.648_654dupTATTCGC).
Protein change: p.Asn219fs; shifts the reading frame from asparagine 219.
Molecular consequence: frameshift variant. On other transcripts: non-coding transcript variant (2).
Genome position (GRCh38, 1-based): chr11:32,434,707-32,434,713, GCGAATA duplicated on the plus strand (TATTCGC on the coding strand, the reverse complement: WT1 is on the minus strand); duplicating any 7 consecutive bases within chr11:32,434,707-32,434,716 gives the same sequence; the c. name uses the placement nearest the transcript's 3' end. VCF-style (leftmost placement, unchanged base first): chr11-32434706-T-TGCGAATA. GRCh37 (hg19) VCF-style: chr11-32456252-T-TGCGAATA.
Other names: c.648_654dup, p.Asn219fs (NM_000378.6, NM_001407044.1, NM_001407045.1 and 6 more transcripts); c.630_636dup, p.Asn214Tyrfs (NM_024425.2); short protein forms N219fs.
Identifiers: ClinVar variation 2948304 (VCV002948304.3), dbSNP rs2494474867, ClinGen allele CA645584472.
Genomic context (GRCh38, chr11:32,434,706, plus strand): 5'-AGAGTCCCTGGCGCCACTGCCCCGCGCGTAGGGGGCGCTCCCCGGCCTACTTACCCTGAT[T>TGCGAATA]GCGAATAGCGGGCTGGCTCTCGAGGCAGCTGGGCAGGTAGGGCGCGTTAGGAAACATCCT-3'